The following is an entry in ClinVar:

ClinVar aggregate classification (germline): Uncertain significance (1 of 4 stars; one submission).

gnomAD v4.1: 16 of 1,609,918 alleles (0.00099%); highest among the groups gnomAD compares: South Asian, 0.0044%; no homozygotes.

Submission:

Labcorp Genetics (formerly Invitae), Labcorp
Classification: Uncertain significance. Last evaluated: 2021-03-28. Review status: criteria provided, single submitter. Criteria: Invitae Variant Classification Sherloc (09022015). Collection method: clinical testing. Allele origin: germline.
Comment: Algorithms developed to predict the effect of missense changes on protein structure and function (SIFT, PolyPhen-2, Align-GVGD) all suggest that this variant is likely to be tolerated, but these predictions have not been confirmed by published functional studies and their clinical significance is uncertain. In summary, the available evidence is currently insufficient to determine the role of this variant in disease. Therefore, it has been classified as a Variant of Uncertain Significance. This sequence change replaces threonine with proline at codon 158 of the MOCS3 protein (p.Thr158Pro). The threonine residue is weakly conserved and there is a small physicochemical difference between threonine and proline. This variant is present in population databases (rs767877512, ExAC 0.002%). This variant has not been reported in the literature in individuals with MOCS3-related conditions.

NM_014484.5(MOCS3):c.472A>C (p.Thr158Pro)

Gene: MOCS3 (molybdenum cofactor synthesis 3; plus strand). Cytogenetic location: 20q13.13.
Variant type: single nucleotide variant.
Coding change: c.472A>C on transcript NM_014484.5 (MANE Select); coding-DNA position 472, A replaced by C.
Protein change: p.Thr158Pro; replaces threonine 158 with proline.
Molecular consequence: missense variant.
Genome position (GRCh38, 1-based): chr20:50,959,314, A>C. VCF-style: chr20-50959314-A-C. GRCh37 (hg19) VCF-style: chr20-49575851-A-C.
Other names: short protein forms T158P.
Identifiers: ClinVar variation 1394929 (VCV001394929.8), dbSNP rs767877512, ClinGen allele CA9909416.